The following is an entry in ClinVar:

NM_001931.5(DLAT):c.342_344del (p.Glu115del)

Gene: DLAT (dihydrolipoamide S-acetyltransferase; plus strand). Cytogenetic location: 11q23.1.
Variant type: Deletion.
Coding change: c.342_344del on transcript NM_001931.5 (MANE Select); coding-DNA positions 342 to 344, 3 bases deleted (AGA; older notation c.342_344delAGA).
Protein change: p.Glu115del; deletes glutamic acid 115.
Molecular consequence: inframe deletion. On other transcripts: 5 prime UTR variant (1), non-coding transcript variant (1), intron variant (1).
Genome position (GRCh38, 1-based): chr11:112,026,260-112,026,262, AGA deleted; deleting any 3 consecutive bases within chr11:112,026,259-112,026,262 gives the same sequence; the c. name uses the placement nearest the transcript's 3' end. VCF-style (leftmost placement, unchanged base first): chr11-112026258-AAAG-A. GRCh37 (hg19) VCF-style: chr11-111896982-AAAG-A.
Other names: c.342_344del, p.Glu115del (NM_001372031.1, NM_001372032.1, NM_001372033.1 and 5 more transcripts); c.309_311del, p.Glu104del (NM_001372034.1); c.174_176del, p.Glu59del (NM_001372037.1); c.-125_-123del (NM_001372042.1); c.239-23_239-21del (NM_001372036.1); short protein forms E104del, E115del, E59del.
Identifiers: ClinVar variation 3731392 (VCV003731392.1).

ClinVar aggregate classification (germline): Uncertain significance (1 of 4 stars; one submission).

Conditions:
Pyruvate dehydrogenase E2 deficiency (PDHDD). Also called: Dihydrolipoamide Acetyltransferase (E2) Deficiency; LACTIC ACIDEMIA DUE TO DEFECT OF E2 LIPOYL TRANSACETYLASE OF THE PYRUVATE DEHYDROGENASE COMPLEX. Identifiers: Orphanet 765, Orphanet 79244, MedGen C1855565, MONDO:0009502, OMIM 245348.

Submission:

Neuberg Centre For Genomic Medicine, NCGM
Classification: Uncertain significance for Pyruvate dehydrogenase E2 deficiency. Last evaluated: 2023-06-22. Review status: criteria provided, single submitter. Criteria: ACMG Guidelines, 2015. Collection method: clinical testing. Allele origin: germline. Inheritance: Autosomal recessive inheritance. Affected: yes.
Comment: The observed inframe deletion variant c.342_344del(p.Glu115del) in DLAT gene has not been reported previously as a pathogenic variant nor as a benign variant, to our knowledge. This variant is absent in gnomAD Exomes. This p.Glu115del causes deletion of amino acid Glutamic Acid at position 115. For these reasons, this variant has been classified as uncertain significance .